The following is an entry in ClinVar:

ClinVar aggregate classification (germline): Uncertain significance (1 of 4 stars; one submission).

Conditions:
Nemaline myopathy 2 (NEM2). Also called: Nemaline myopathy 2, autosomal recessive. Identifiers: MedGen C1850569, MONDO:0009725, OMIM 256030.

Allele frequency attached by ClinVar (database versions not stated): gnomAD exomes below 0.00001.
gnomAD v4.1: 1 of 1,612,432 alleles (0.000062%); highest among the groups gnomAD compares: Non-Finnish European, 0.000085%; no homozygotes.

Submission:

Labcorp Genetics (formerly Invitae), Labcorp
Classification: Uncertain significance for Nemaline myopathy 2. Last evaluated: 2020-09-20. Review status: criteria provided, single submitter. Criteria: Invitae Variant Classification Sherloc (09022015). Collection method: clinical testing. Allele origin: germline.
Comment: This sequence change replaces asparagine with serine at codon 1754 of the NEB protein (p.Asn1754Ser). The asparagine residue is moderately conserved and there is a small physicochemical difference between asparagine and serine. This variant is not present in population databases (ExAC no frequency). This variant has not been reported in the literature in individuals with NEB-related conditions. Algorithms developed to predict the effect of missense changes on protein structure and function are either unavailable or do not agree on the potential impact of this missense change (SIFT: "Deleterious"; PolyPhen-2: "Not Available"; Align-GVGD: "Class C0"). In summary, the available evidence is currently insufficient to determine the role of this variant in disease. Therefore, it has been classified as a Variant of Uncertain Significance.

NM_001164508.2(NEB):c.5261A>G (p.Asn1754Ser)

Gene: NEB (nebulin; minus strand). Cytogenetic location: 2q23.3.
Variant type: single nucleotide variant.
Coding change: c.5261A>G on transcript NM_001164508.2 (MANE Select); coding-DNA position 5261, A replaced by G.
Protein change: p.Asn1754Ser; replaces asparagine 1754 with serine.
Molecular consequence: missense variant.
Genome position (GRCh38, 1-based): chr2:151,664,841, T>C on the plus strand (A>G on the coding strand, the complement: NEB is on the minus strand). VCF-style: chr2-151664841-T-C. GRCh37 (hg19) VCF-style: chr2-152521355-T-C.
Other names: c.5261A>G, p.Asn1754Ser (NM_001164507.2, NM_001271208.2, NM_004543.5); short protein forms N1754S.
Identifiers: ClinVar variation 1992246 (VCV001992246.1), dbSNP rs2552257500, ClinGen allele CA348811742.